The following is an entry in ClinVar:

NM_000500.9(CYP21A2):c.1452G>C (p.Arg484=)

Genes: CYP21A2 (cytochrome P450 family 21 subfamily A member 2; plus strand), LOC106780800 (CYP21A2 recombination region; plus strand). Cytogenetic location: 6p21.33.
Variant type: single nucleotide variant.
Coding change: c.1452G>C on transcript NM_000500.9 (MANE Select); coding-DNA position 1452, G replaced by C.
Protein change: p.Arg484=; no amino-acid change (arginine 484 retained).
Molecular consequence: synonymous variant.
Genome position (GRCh38, 1-based): chr6:32,041,098, G>C. VCF-style: chr6-32041098-G-C. GRCh37 (hg19) VCF-style: chr6-32008875-G-C.
Other names: c.1362G>C, p.Arg454= (NM_001128590.4); c.1047G>C, p.Arg349= (NM_001368143.2, NM_001368144.2).
Identifiers: ClinVar variation 3898272 (VCV003898272.7).

ClinVar aggregate classification (germline): Likely benign (1 of 4 stars; one submission).

Submission:

CeGaT Center for Human Genetics Tuebingen
Classification: Likely benign. Last evaluated: 2025-09-01. Review status: criteria provided, single submitter. Criteria: CeGaT Center For Human Genetics Tuebingen Variant Classification Criteria Version 2. Collection method: clinical testing. Allele origin: germline. Affected: yes. Observed: 2 variant alleles.
Comment: CYP21A2: BP4, BP7